The following is an entry in ClinVar:

NM_001161352.2(KCNMA1):c.1239C>T (p.Cys413=)

Gene: KCNMA1 (potassium calcium-activated channel subfamily M alpha 1; minus strand). Cytogenetic location: 10q22.3.
Variant type: single nucleotide variant.
Coding change: c.1239C>T on transcript NM_001161352.2 (MANE Select); coding-DNA position 1239, C replaced by T.
Protein change: p.Cys413=; no amino-acid change (cysteine 413 retained).
Molecular consequence: synonymous variant.
Genome position (GRCh38, 1-based): chr10:77,090,495, G>A on the plus strand (C>T on the coding strand, the complement: KCNMA1 is on the minus strand). VCF-style: chr10-77090495-G-A. GRCh37 (hg19) VCF-style: chr10-78850253-G-A.
Other names: c.1239C>T, p.Cys413= (NM_001014797.3, NM_001161353.2, NM_001271519.2 and 7 more transcripts); c.1077C>T, p.Cys359= (NM_001271518.2); c.699C>T, p.Cys233= (NM_001322838.2).
Identifiers: ClinVar variation 743420 (VCV000743420.39), dbSNP rs139515379, ClinGen allele CA5568493.
Genomic context (GRCh38, chr10:77,090,495, plus strand): 5'-CCGGTCCTTGTGCAGAAAGTCCTTCAGGAAGTTGGAAACACTCTCCAGAGTGATGTGTCC[G>A]CAGACCACAATGTGCCTGAACAGGAGAGGCCAGTTAGATCAGGCCAGGCACCACGACAGG-3'
Protein context (NP_001154824.1, residues 403-423): AVSGRKHIVV[Cys413=]GHITLESVSN

ClinVar aggregate classification (germline): Likely benign. Review status: criteria provided, multiple submitters, no conflicts (2 of 4 stars). 5 submissions from 5 submitters: Likely benign (2). 3 of the submissions do not count toward it. Last evaluated 2026-02-01.

Conditions:
KCNMA1-related disorder. Also called: KCNMA1-related disorders; KCNMA1-related condition.
Generalized epilepsy-paroxysmal dyskinesia syndrome (PNKD3). Also called: Paroxysmal nonkinesigenic dyskinesia, 3, with or without generalized epilepsy; Generalized epilepsy and paroxysmal dyskinesia. Identifiers: Orphanet 79137, MedGen C5574945, MONDO:0012276, OMIM 609446.

Allele frequency attached by ClinVar (database versions not stated): gnomAD 0.00004; gnomAD exomes 0.00004; ExAC 0.00005; TOPMed 0.00006; ESP Exome Variant Server 0.00015.
gnomAD v4.1: 64 of 1,612,830 alleles (0.004%); highest among the groups gnomAD compares: African/African-American, 0.0053%; no homozygotes.

Submissions (5):

CeGaT Center for Human Genetics Tuebingen
Classification: Likely benign. Last evaluated: 2026-02-01. Review status: criteria provided, single submitter. Criteria: CeGaT Center For Human Genetics Tuebingen Variant Classification Criteria Version 2. Collection method: clinical testing. Allele origin: germline. Affected: yes. Observed: 3 variant alleles.
Comment: KCNMA1: BP4, BP7

Labcorp Genetics (formerly Invitae), Labcorp
Classification: Likely benign for Generalized epilepsy-paroxysmal dyskinesia syndrome. Last evaluated: 2026-01-21. Review status: criteria provided, single submitter. Criteria: Invitae Variant Classification Sherloc (09022015). Collection method: clinical testing. Allele origin: germline.

PreventionGenetics, part of Exact Sciences
Classification: Likely benign for KCNMA1-related condition. Last evaluated: 2019-08-08. Review status: no assertion criteria provided. Collection method: clinical testing. Allele origin: germline. Not counted in ClinVar's aggregate classification.
Comment: This variant is classified as likely benign based on ACMG/AMP sequence variant interpretation guidelines (Richards et al. 2015 PMID: 25741868, with internal and published modifications).

Clinical Genetics DNA and cytogenetics Diagnostics Lab, Erasmus MC, Erasmus Medical Center
Classification: Likely benign. Review status: no assertion criteria provided. Collection method: clinical testing. Allele origin: germline. Affected: yes. Study: VKGL Data-share Consensus. Not counted in ClinVar's aggregate classification.

Genome Diagnostics Laboratory, University Medical Center Utrecht
Classification: Likely benign. Review status: no assertion criteria provided. Collection method: clinical testing. Allele origin: germline. Affected: yes. Study: VKGL Data-share Consensus. Not counted in ClinVar's aggregate classification.